The following is an entry in ClinVar:

NM_007294.4(BRCA1):c.30_31delinsGC (p.Val11Leu)

Gene: BRCA1 (BRCA1 DNA repair associated; minus strand). Cytogenetic location: 17q21.31.
Variant type: Indel.
Coding change: c.30_31delinsGC on transcript NM_007294.4 (MANE Select); coding-DNA positions 30 to 31, AG replaced by GC.
Protein change: p.Val11Leu; replaces valine 11 with leucine.
Molecular consequence: missense variant. On other transcripts: 5 prime UTR variant (1), non-coding transcript variant (1).
Genome position (GRCh38, 1-based): chr17:43,124,066-43,124,067, CT replaced by GC on the plus strand (AG replaced by GC on the coding strand, the reverse complement: BRCA1 is on the minus strand). VCF-style: chr17-43124066-CT-GC. GRCh37 (hg19) VCF-style: chr17-41276083-CT-GC.
Other names: c.-58_-57delAGinsGC (NM_001407738.1, NM_001407742.1, NM_001407744.1 and 22 more transcripts); c.-231_-230delAGinsGC (NM_001407739.1, NM_001407740.1, NM_001407748.1 and 22 more transcripts); c.-235_-234delAGinsGC (NM_001407741.1, NM_001407934.1, NM_001408497.1); c.-228_-227delAGinsGC (NM_001407749.1, NM_001407842.1, NM_001407843.1 and 11 more transcripts); c.-177_-176delAGinsGC (NM_001407751.1, NM_001407726.1); c.-108_-107delAGinsGC (NM_001407841.1); c.-257_-256delAGinsGC (NM_001407846.1, NM_001407920.1, NM_001407697.1); c.-159_-158delAGinsGC (NM_001407853.1, NM_001407879.1, NM_001407882.1 and 46 more transcripts); and 10 more; short protein forms V11L.
Identifiers: ClinVar variation 1993518 (VCV001993518.4), dbSNP rs2552278992, ClinGen allele CA2580093978.

ClinVar aggregate classification (germline): Uncertain significance (1 of 4 stars; one submission).

Conditions:
Hereditary breast ovarian cancer syndrome. Also called: BRCA1- and BRCA2-Associated Hereditary Breast and Ovarian Cancer; Hereditary breast and ovarian cancer; Hereditary breast and ovarian cancer syndrome (HBOC); Hereditary breast and/or ovarian cancer syndrome; Hereditary breast and ovarian cancer syndrome; Breast and ovarian cancer. Identifiers: Orphanet 145, MedGen C0677776, MeSH D061325, MONDO:0003582. Disease mechanism: loss of function.

Submission:

Labcorp Genetics (formerly Invitae), Labcorp
Classification: Uncertain significance for Hereditary breast ovarian cancer syndrome. Last evaluated: 2022-05-12. Review status: criteria provided, single submitter. Criteria: Invitae Variant Classification Sherloc (09022015). Collection method: clinical testing. Allele origin: germline.
Comment: In summary, the available evidence is currently insufficient to determine the role of this variant in disease. Therefore, it has been classified as a Variant of Uncertain Significance. Experimental studies and prediction algorithms are not available or were not evaluated, and the functional significance of this variant is currently unknown. This variant has not been reported in the literature in individuals affected with BRCA1-related conditions. Information on the frequency of this variant in the gnomAD database is not available, as this variant may be reported differently in the database. This sequence change replaces valine, which is neutral and non-polar, with leucine, which is neutral and non-polar, at codon 11 of the BRCA1 protein (p.Val11Leu).